The following is an entry in ClinVar:

NM_004523.4(KIF11):c.2150C>A (p.Thr717Asn)

Gene: KIF11 (kinesin family member 11; plus strand). Cytogenetic location: 10q23.33.
Variant type: single nucleotide variant.
Coding change: c.2150C>A on transcript NM_004523.4 (MANE Select); coding-DNA position 2150, C replaced by A.
Protein change: p.Thr717Asn; replaces threonine 717 with asparagine.
Molecular consequence: missense variant.
Genome position (GRCh38, 1-based): chr10:92,637,535, C>A. VCF-style: chr10-92637535-C-A. GRCh37 (hg19) VCF-style: chr10-94397292-C-A.
Other names: c.2150C>A (NM_004523.3); short protein forms T717N.
Identifiers: ClinVar variation 1022847 (VCV001022847.9), dbSNP rs369741638, ClinGen allele CA5604334.
Genomic context (GRCh38, chr10:92,637,535, plus strand): 5'-TGGTTGAGTCACAAAAGCAATGTGGAAACCTAACTGAAGACCTGAAGACAATAAAGCAGA[C>A]CCATTCCCAGGTATGTTGTTTAGCGGACTTGGGGAGTACAGAAAGAGAGTTTTAGGATGA-3'
Protein context (NP_004514.2, residues 707-727): LTEDLKTIKQ[Thr717Asn]HSQELCKLMN

ClinVar aggregate classification (germline): Uncertain significance. Review status: criteria provided, multiple submitters, no conflicts (2 of 4 stars). 2 submissions from 2 submitters: Uncertain significance (2). Last evaluated 2025-09-28.

Conditions:
Inborn genetic diseases. Identifiers: MedGen C0950123, MeSH D030342.

Allele frequency attached by ClinVar (database versions not stated): TOPMed 0.00001; ESP Exome Variant Server 0.00008.
gnomAD v4.1: 5 of 1,600,400 alleles (0.00031%); highest among the groups gnomAD compares: Non-Finnish European, 0.00042%; no homozygotes.

Submissions (2):

Ambry Genetics
Classification: Uncertain significance for Inborn genetic diseases. Last evaluated: 2025-09-28. Review status: criteria provided, single submitter. Criteria: Ambry Variant Classification Scheme 2023. Collection method: clinical testing. Allele origin: germline.

Labcorp Genetics (formerly Invitae), Labcorp
Classification: Uncertain significance. Last evaluated: 2023-02-24. Review status: criteria provided, single submitter. Criteria: Invitae Variant Classification Sherloc (09022015). Collection method: clinical testing. Allele origin: germline.
Comment: This variant is present in population databases (rs369741638, gnomAD 0.007%). This sequence change replaces threonine, which is neutral and polar, with asparagine, which is neutral and polar, at codon 717 of the KIF11 protein (p.Thr717Asn). This variant has not been reported in the literature in individuals affected with KIF11-related conditions. ClinVar contains an entry for this variant (Variation ID: 1022847). Advanced modeling of protein sequence and biophysical properties (such as structural, functional, and spatial information, amino acid conservation, physicochemical variation, residue mobility, and thermodynamic stability) performed at Invitae indicates that this missense variant is not expected to disrupt KIF11 protein function. In summary, the available evidence is currently insufficient to determine the role of this variant in disease. Therefore, it has been classified as a Variant of Uncertain Significance.